The following is an entry in ClinVar:

ClinVar aggregate classification (germline): Uncertain significance (1 of 4 stars; one submission).

Conditions:
SLC24A1-related disorder. Also called: SLC24A1-related condition.

gnomAD v4.1: 85 of 1,535,142 alleles (0.0055%); highest among the groups gnomAD compares: African/African-American, 0.11%; no homozygotes.

Submission:

PreventionGenetics, part of Exact Sciences
Classification: Uncertain significance for SLC24A1-related condition. Last evaluated: 2026-08-01. Review status: criteria provided, single submitter. Criteria: ACMG Guidelines, 2015. Collection method: clinical testing. Allele origin: germline.
Comment: The SLC24A1 c.3026G>T variant is predicted to result in the amino acid substitution p.Gly1009Val. To our knowledge, this variant has not been reported in the literature. This variant is reported in 0.14% of alleles in individuals of African descent in gnomAD, which may be too frequent to be a primary cause of disease. Although we suspect that this variant may be benign, at this time, the clinical significance of this variant is uncertain due to the absence of conclusive functional and genetic evidence.

NM_001301033.2(SLC24A1):c.3026G>T (p.Gly1009Val)

Genes: DENND4A (DENN domain containing 4A; minus strand), SLC24A1 (solute carrier family 24 member 1; plus strand). Cytogenetic location: 15q22.31.
Variant type: single nucleotide variant.
Coding change: c.3026G>T on transcript NM_001301033.2; coding-DNA position 3026, G replaced by T.
Protein change: p.Gly1009Val; replaces glycine 1009 with valine.
Molecular consequence: missense variant. On other transcripts: 3 prime UTR variant (5).
Genome position (GRCh38, 1-based): chr15:65,660,308, G>T. VCF-style: chr15-65660308-G-T. GRCh37 (hg19) VCF-style: chr15-65952646-G-T.
Other names: c.*1543C>A (NM_001144823.2, NM_001320835.1, NM_001376919.1 and 2 more transcripts); short protein forms G1009V.
Identifiers: ClinVar variation 4984071 (VCV004984071.1).
Genomic context (GRCh38, chr15:65,660,308, plus strand): 5'-ACATTTTTAAACTCTCTCCATTATTTCCCAGAGTTGGAAGCTGTGAAATGTTTCAGCATG[G>T]TGCTATTCACTAATGGTGTGAACTCAAAAGGTGGGTTTTCTGCAGCTGAACTGATTCTAA-3'